The following is an entry in ClinVar:

ClinVar aggregate classification (germline): Uncertain significance (1 of 4 stars; one submission).

Conditions:
Cardiovascular phenotype. Identifiers: MedGen CN230736.

Submission:

Ambry Genetics
Classification: Uncertain significance for Cardiovascular phenotype. Last evaluated: 2024-07-28. Review status: criteria provided, single submitter. Criteria: Ambry Variant Classification Scheme 2023. Collection method: clinical testing. Allele origin: germline.
Comment: The p.S869T variant (also known as c.2605T>A), located in coding exon 15 of the DSG2 gene, results from a T to A substitution at nucleotide position 2605. The serine at codon 869 is replaced by threonine, an amino acid with similar properties. This amino acid position is conserved. In addition, this alteration is predicted to be tolerated by in silico analysis. Based on the available evidence, the clinical significance of this variant remains unclear.

NM_001943.5(DSG2):c.2605T>A (p.Ser869Thr)

Genes: DSG2 (desmoglein 2; plus strand), DSG2-AS1 (DSG2 antisense RNA 1; minus strand). Cytogenetic location: 18q12.1.
Variant type: single nucleotide variant.
Coding change: c.2605T>A on transcript NM_001943.5 (MANE Select); coding-DNA position 2605, T replaced by A.
Protein change: p.Ser869Thr; replaces serine 869 with threonine.
Molecular consequence: missense variant.
Genome position (GRCh38, 1-based): chr18:31,545,991, T>A. VCF-style: chr18-31545991-T-A. GRCh37 (hg19) VCF-style: chr18-29125954-T-A.
Other names: short protein forms S869T.
Identifiers: ClinVar variation 3505410 (VCV003505410.1).